The following is an entry in ClinVar:

ClinVar aggregate classification (germline): Pathogenic (1 of 4 stars; one submission).

Submission:

Labcorp Genetics (formerly Invitae), Labcorp
Classification: Pathogenic. Last evaluated: 2025-10-18. Review status: criteria provided, single submitter. Criteria: Invitae Variant Classification Sherloc (09022015). Collection method: clinical testing. Allele origin: germline.
Comment: This sequence change creates a premature translational stop signal (p.Ser65Hisfs*44) in the ALPL gene. It is expected to result in an absent or disrupted protein product. Loss-of-function variants in ALPL are known to be pathogenic (PMID: 3174660, 10679946, 32973344, 33814268). This variant is not present in population databases (gnomAD no frequency). This variant has not been reported in the literature in individuals affected with ALPL-related conditions. For these reasons, this variant has been classified as Pathogenic.

Literature cited by the submitters: PubMed 3174660; PubMed 10679946; PubMed 32973344; PubMed 33814268.

NM_000478.6(ALPL):c.193_194del (p.Ser65fs)

Gene: ALPL (alkaline phosphatase, biomineralization associated; plus strand). Cytogenetic location: 1p36.12.
Variant type: Microsatellite.
Coding change: c.193_194del on transcript NM_000478.6 (MANE Select); coding-DNA positions 193 to 194, 2 bases deleted (TC; older notation c.193_194delTC).
Protein change: p.Ser65fs; shifts the reading frame from serine 65.
Molecular consequence: frameshift variant. On other transcripts: intron variant (1).
Genome position (GRCh38, 1-based): chr1:21,561,108-21,561,109, TC deleted; deleting any 2 consecutive bases within chr1:21,561,106-21,561,109 gives the same sequence; the c. name uses the placement nearest the transcript's 3' end. VCF-style (leftmost placement, unchanged base first): chr1-21561105-GTC-G. GRCh37 (hg19) VCF-style: chr1-21887598-GTC-G.
Other names: c.28_29del, p.Ser10fs (NM_001127501.4); c.193_194del, p.Ser65fs (NM_001369803.2, NM_001369804.2, NM_001369805.2); c.66+363_66+364del (NM_001177520.3); short protein forms S65fs, S10fs.
Identifiers: ClinVar variation 4729461 (VCV004729461.1).